The following is an entry in ClinVar:

ClinVar aggregate classification (germline): Likely benign (0 of 4 stars; one submission).

Conditions:
MAP6D1-related disorder. Also called: MAP6D1-related condition.

Allele frequency attached by ClinVar (database versions not stated): 1000 Genomes Project 0.00100; 1000 Genomes Project 30x 0.00109.

Submission:

PreventionGenetics, part of Exact Sciences
Classification: Likely benign for MAP6D1-related condition. Last evaluated: 2022-08-29. Review status: no assertion criteria provided. Collection method: clinical testing. Allele origin: germline.
Comment: This variant is classified as likely benign based on ACMG/AMP sequence variant interpretation guidelines (Richards et al. 2015 PMID: 25741868, with internal and published modifications).

NM_024871.4(MAP6D1):c.261G>A (p.Pro87=)

Gene: MAP6D1 (MAP6 domain containing 1; minus strand). Cytogenetic location: 3q27.1.
Variant type: single nucleotide variant.
Coding change: c.261G>A on transcript NM_024871.4 (MANE Select); coding-DNA position 261, G replaced by A.
Protein change: p.Pro87=; no amino-acid change (proline 87 retained).
Molecular consequence: synonymous variant.
Genome position (GRCh38, 1-based): chr3:183,825,287, C>T on the plus strand (G>A on the coding strand, the complement: MAP6D1 is on the minus strand). VCF-style: chr3-183825287-C-T. GRCh37 (hg19) VCF-style: chr3-183543075-C-T.
Identifiers: ClinVar variation 3051491 (VCV003051491.2), dbSNP rs550615432, ClinGen allele CA88806212.